The following is an entry in ClinVar:

NM_001844.5(COL2A1):c.2047C>A (p.Gln683Lys)

Gene: COL2A1 (collagen type II alpha 1 chain; minus strand). Cytogenetic location: 12q13.11.
Variant type: single nucleotide variant.
Coding change: c.2047C>A on transcript NM_001844.5 (MANE Select); coding-DNA position 2047, C replaced by A.
Protein change: p.Gln683Lys; replaces glutamine 683 with lysine.
Molecular consequence: missense variant.
Genome position (GRCh38, 1-based): chr12:47,983,387, G>T on the plus strand (C>A on the coding strand, the complement: COL2A1 is on the minus strand). VCF-style: chr12-47983387-G-T. GRCh37 (hg19) VCF-style: chr12-48377170-G-T.
Other names: c.1840C>A, p.Gln614Lys (NM_033150.3); short protein forms Q683K, Q614K.
Identifiers: ClinVar variation 451948 (VCV000451948.9), dbSNP rs1003758989, ClinGen allele CA236525014.

ClinVar aggregate classification (germline): Uncertain significance. Review status: criteria provided, multiple submitters, no conflicts (2 of 4 stars). 2 submissions from 2 submitters: Uncertain significance (2). Last evaluated 2025-05-12.

Allele frequency attached by ClinVar (database versions not stated): gnomAD exomes 0.00001.
gnomAD v4.1: 21 of 1,613,980 alleles (0.0013%); highest among the groups gnomAD compares: Non-Finnish European, 0.0018%; no homozygotes.

Submissions (2):

Labcorp Genetics (formerly Invitae), Labcorp
Classification: Uncertain significance. Last evaluated: 2025-05-12. Review status: criteria provided, single submitter. Criteria: Invitae Variant Classification Sherloc (09022015). Collection method: clinical testing. Allele origin: germline.
Comment: This sequence change replaces glutamine, which is neutral and polar, with lysine, which is basic and polar, at codon 683 of the COL2A1 protein (p.Gln683Lys). This variant is not present in population databases (gnomAD no frequency). This variant has not been reported in the literature in individuals affected with COL2A1-related conditions. ClinVar contains an entry for this variant (Variation ID: 451948). An algorithm developed to predict the effect of missense changes on protein structure and function (PolyPhen-2) suggests that this variant is likely to be tolerated. In summary, the available evidence is currently insufficient to determine the role of this variant in disease. Therefore, it has been classified as a Variant of Uncertain Significance.

GeneDx
Classification: Uncertain significance. Last evaluated: 2017-09-11. Review status: criteria provided, single submitter. Criteria: GeneDx Variant Classification (06012015). Collection method: clinical testing. Allele origin: germline. Affected: yes.
Comment: A variant of uncertain significance has been identified in the COL2A1 gene. The Q683K variant has not been published as pathogenic or been reported as benign to our knowledge. This variant is also not observed in large population cohorts (Lek et al., 2016; 1000 Genomes Consortium et al., 2015; Exome Variant Server). The Q683K variant is a semi-conservative amino acid substitution, which may impact secondary protein structure as these residues differ in some properties. Additionally, this substitution occurs within the triple helical region of the COL2A1 gene, at a position that is conserved across species. In silico analysis predicts this variant is probably damaging to the protein structure/function. Nevertheless, Q683K does not affect a Glycine residue in a Gly-X-Y motif in the triple helical region of the COL2A1 gene, where the majority of pathogenic missense variants occur (Stenson et al., 2014; Symoens et al., 2012). Furthermore, this variant has not been observed in a significant number of affected individuals, and it lacks both segregation and functional studies which would further clarify its pathogenicity.